The following is an entry in ClinVar:

NM_006734.4(HIVEP2):c.2111G>A (p.Gly704Glu)

Gene: HIVEP2 (HIVEP zinc finger 2; minus strand). Cytogenetic location: 6q24.2.
Variant type: single nucleotide variant.
Coding change: c.2111G>A on transcript NM_006734.4 (MANE Select); coding-DNA position 2111, G replaced by A.
Protein change: p.Gly704Glu; replaces glycine 704 with glutamic acid.
Molecular consequence: missense variant.
Genome position (GRCh38, 1-based): chr6:142,772,628, C>T on the plus strand (G>A on the coding strand, the complement: HIVEP2 is on the minus strand). VCF-style: chr6-142772628-C-T. GRCh37 (hg19) VCF-style: chr6-143093765-C-T.
Other names: short protein forms G704E.
Identifiers: ClinVar variation 1708343 (VCV001708343.2), dbSNP rs1470692131, ClinGen allele CA365911321.

ClinVar aggregate classification (germline): Likely benign (1 of 4 stars; one submission).

Allele frequency attached by ClinVar (database versions not stated): gnomAD exomes below 0.00001.
gnomAD v4.1: 1 of 1,614,216 alleles (0.000062%); highest among the groups gnomAD compares: Non-Finnish European, 0.000085%; no homozygotes.

Submission:

Centre of Medical Genetics, University Hospital Muenster
Classification: Likely benign. Last evaluated: 2022-04-12. Review status: criteria provided, single submitter. Criteria: ACMG Guidelines, 2015. Collection method: clinical testing. Allele origin: unknown. Affected: yes. Observed: 1 variant allele, 1 heterozygote.
Comment: ACMG categories: PM1,PM2,PP3,BS2,BP1